The following is an entry in ClinVar:

NM_033305.3(VPS13A):c.753dup (p.Val252fs)

Gene: VPS13A (vacuolar protein sorting 13 homolog A; plus strand). Cytogenetic location: 9q21.2.
Variant type: Duplication.
Coding change: c.753dup on transcript NM_033305.3 (MANE Select); coding-DNA position 753, one base duplicated (T; older notation c.753dupT).
Protein change: p.Val252fs; shifts the reading frame from valine 252.
Molecular consequence: frameshift variant.
Genome position (GRCh38, 1-based): chr9:77,214,385, T duplicated; the last of 4 consecutive T bases (chr9:77,214,382-77,214,385); duplicating any one gives the same sequence. VCF-style (leftmost placement, unchanged base first): chr9-77214381-A-AT. GRCh37 (hg19) VCF-style: chr9-79829297-A-AT.
Other names: c.753dup, p.Val252fs (NM_001018037.2, NM_001018038.3, NM_015186.4); short protein forms V252fs.
Identifiers: ClinVar variation 2771555 (VCV002771555.4), dbSNP rs1822732302, ClinGen allele CA2697557824.

ClinVar aggregate classification (germline): Pathogenic. Review status: criteria provided, multiple submitters, no conflicts (2 of 4 stars). 2 submissions from 2 submitters: Pathogenic (2). Last evaluated 2026-05-25.

Conditions:
VPS13A-related neurodegenerative disease. Also called: LEVINE-CRITCHLEY SYNDROME; Choreoacanthocytosis; ACANTHOCYTOSIS WITH NEUROLOGIC DISORDER; Chorea-acanthocytosis; Choreaacanthocytosis; VPS13A Disease. Identifiers: Orphanet 2388, MedGen C0393576, MONDO:0008695, OMIM 200150.

Submissions (2):

Myriad Genetics, Inc.
Classification: Pathogenic for VPS13A-related neurodegenerative disease. Last evaluated: 2026-05-25. Review status: criteria provided, single submitter. Criteria: Myriad Autosomal Dominant, Autosomal Recessive and X-Linked Classification Criteria (2023). Collection method: clinical testing. Allele origin: unknown.
Comment: NM_033305.2(VPS13A):c.753dupT(V252Cfs*8) is expected to be pathogenic in the context of VPS13A disease. This variant is predicted to lead to an abnormal or absent protein product due to the creation of a premature termination codon in VPS13A, a gene where loss-of-function variants are known to be pathogenic. Please note: this variant was assessed in the context of healthy population screening.

Labcorp Genetics (formerly Invitae), Labcorp
Classification: Pathogenic. Last evaluated: 2023-10-24. Review status: criteria provided, single submitter. Criteria: Invitae Variant Classification Sherloc (09022015). Collection method: clinical testing. Allele origin: germline.
Comment: This sequence change creates a premature translational stop signal (p.Val252Cysfs*8) in the VPS13A gene. It is expected to result in an absent or disrupted protein product. Loss-of-function variants in VPS13A are known to be pathogenic (PMID: 12404112, 21598378). This variant is not present in population databases (gnomAD no frequency). This variant has not been reported in the literature in individuals affected with VPS13A-related conditions. For these reasons, this variant has been classified as Pathogenic.

Literature cited by the submitters: PubMed 12404112 (cited by Labcorp Genetics (formerly Invitae), Labcorp); PubMed 21598378 (cited by Labcorp Genetics (formerly Invitae), Labcorp).